The following is an entry in ClinVar:

ClinVar aggregate classification (germline): Benign/Likely benign. Review status: criteria provided, multiple submitters, no conflicts (2 of 4 stars). 3 submissions from 3 submitters: Benign (1); Likely benign (1). 1 of the submissions does not count toward it. Last evaluated 2025-07-13.

Conditions:
NUP133-related disorder. Also called: NUP133-related condition.

Allele frequency attached by ClinVar (database versions not stated): gnomAD exomes 0.00004; gnomAD 0.00013; TOPMed 0.00015; 1000 Genomes Project 30x 0.00016; 1000 Genomes Project 0.00020; ExAC 0.00025.
gnomAD v4.1: 82 of 1,614,110 alleles (0.0051%); highest among the groups gnomAD compares: East Asian, 0.15%; no homozygotes.

Submissions (3):

Labcorp Genetics (formerly Invitae), Labcorp
Classification: Benign. Last evaluated: 2025-07-13. Review status: criteria provided, single submitter. Criteria: Invitae Variant Classification Sherloc (09022015). Collection method: clinical testing. Allele origin: germline.

Blueprint Genetics
Classification: Likely benign. Last evaluated: 2024-09-23. Review status: criteria provided, single submitter. Criteria: ACMG Guidelines, 2015. Collection method: clinical testing. Allele origin: germline.

PreventionGenetics, part of Exact Sciences
Classification: Likely benign for NUP133-related condition. Last evaluated: 2022-12-19. Review status: no assertion criteria provided. Collection method: clinical testing. Allele origin: germline. Not counted in ClinVar's aggregate classification.
Comment: This variant is classified as likely benign based on ACMG/AMP sequence variant interpretation guidelines (Richards et al. 2015 PMID: 25741868, with internal and published modifications).

NM_018230.3(NUP133):c.588C>T (p.Tyr196=)

Gene: NUP133 (nucleoporin 133; minus strand). Cytogenetic location: 1q42.13.
Variant type: single nucleotide variant.
Coding change: c.588C>T on transcript NM_018230.3 (MANE Select); coding-DNA position 588, C replaced by T.
Protein change: p.Tyr196=; no amino-acid change (tyrosine 196 retained).
Molecular consequence: synonymous variant.
Genome position (GRCh38, 1-based): chr1:229,499,744, G>A on the plus strand (C>T on the coding strand, the complement: NUP133 is on the minus strand). VCF-style: chr1-229499744-G-A. GRCh37 (hg19) VCF-style: chr1-229635491-G-A.
Other names: c.588C>T (NM_018230.2).
Identifiers: ClinVar variation 2147721 (VCV002147721.7), dbSNP rs200129319, ClinGen allele CA1443786.
Genomic context (GRCh38, chr1:229,499,744, plus strand): 5'-CTGCACTGCTGTTAGGAAACTGTAAGTCTTATCACCTCCCGAATCTACAAAAGCCTCTGT[G>A]TAGGTATCTTCACCAGCAAGGCTTGGCCAATAGCGGATAGATCCTTCTCTGGTGGCAACC-3'
Protein context (NP_060700.2, residues 186-206): YWPSLAGEDT[Tyr196=]TEAFVDSGGD